The following is an entry in ClinVar:

NM_001040142.2(SCN2A):c.2200A>G (p.Asn734Asp)

Gene: SCN2A (sodium voltage-gated channel alpha subunit 2; plus strand). Cytogenetic location: 2q24.3.
Variant type: single nucleotide variant.
Coding change: c.2200A>G on transcript NM_001040142.2 (MANE Select); coding-DNA position 2200, A replaced by G.
Protein change: p.Asn734Asp; replaces asparagine 734 with aspartic acid.
Molecular consequence: missense variant.
Genome position (GRCh38, 1-based): chr2:165,331,380, A>G. VCF-style: chr2-165331380-A-G. GRCh37 (hg19) VCF-style: chr2-166187890-A-G.
Other names: c.2200A>G, p.Asn734Asp (NM_001040143.2, NM_001371246.1, NM_001371247.1 and 1 more transcripts); c.2200A>G (NM_021007.2); short protein forms N734D.
Identifiers: ClinVar variation 1013420 (VCV001013420.38), dbSNP rs1698664901, ClinGen allele CA349030690.

ClinVar aggregate classification (germline): Conflicting classifications of pathogenicity. Review status: criteria provided, conflicting classifications (1 of 4 stars). 2 submissions from 2 submitters: Uncertain significance (1); Likely benign (1). Last evaluated 2025-06-08.

Allele frequency attached by ClinVar (database versions not stated): TOPMed below 0.00001.

Submissions (2):

GeneDx
Classification: Uncertain significance. Last evaluated: 2025-06-08. Review status: criteria provided, single submitter. Criteria: GeneDx Variant Classification Process June 2021. Collection method: clinical testing. Allele origin: germline. Affected: yes.
Comment: Not observed at significant frequency in large population cohorts (gnomAD); In silico analysis supports that this missense variant has a deleterious effect on protein structure/function; This substitution is predicted to be in the cytoplasmic loop between the first and second homologous domains; Has not been previously published as pathogenic or benign to our knowledge

CeGaT Center for Human Genetics Tuebingen
Classification: Likely benign. Last evaluated: 2020-09-01. Review status: criteria provided, single submitter. Criteria: CeGaT Center For Human Genetics Tuebingen Variant Classification Criteria Version 2. Collection method: clinical testing. Allele origin: germline. Affected: yes. Observed: 1 variant allele.